The following is an entry in ClinVar:

NM_002470.4(MYH3):c.2916A>G (p.Thr972=)

Gene: MYH3 (myosin heavy chain 3; minus strand). Cytogenetic location: 17p13.1.
Variant type: single nucleotide variant.
Coding change: c.2916A>G on transcript NM_002470.4 (MANE Select); coding-DNA position 2916, A replaced by G.
Protein change: p.Thr972=; no amino-acid change (threonine 972 retained).
Molecular consequence: synonymous variant.
Genome position (GRCh38, 1-based): chr17:10,639,569, T>C on the plus strand (A>G on the coding strand, the complement: MYH3 is on the minus strand). VCF-style: chr17-10639569-T-C. GRCh37 (hg19) VCF-style: chr17-10542886-T-C.
Identifiers: ClinVar variation 129652 (VCV000129652.32), dbSNP rs2285472, ClinGen allele CA153781.

ClinVar aggregate classification (germline): Benign. Review status: criteria provided, multiple submitters, no conflicts (2 of 4 stars). 14 submissions from 10 submitters: Benign (11). 3 of the submissions do not count toward it. Last evaluated 2026-02-04.

Conditions:
Arthrogryposis, distal, type 2B3. Also called: Arthrogryposis, distal, type 2B3 (Sheldon-Hall). Identifiers: MedGen C5193098, MONDO:0032751, OMIM 618436.
Contractures, pterygia, and variable skeletal fusions syndrome 1B. Also called: CONTRACTURES, PTERYGIA, AND SPONDYLOCARPOTARSAL FUSION SYNDROME 1B. Identifiers: MedGen C5193114, MONDO:0020746, OMIM 618469.
Contractures, pterygia, and spondylocarpotarsal fusion syndrome 1A (CPSFS1A). Also called: MULTIPLE PTERYGIUM SYNDROME, AUTOSOMAL DOMINANT; Distal arthrogryposis type 8; Contractures, pterygia, and variable skeletal fusions syndrome 1A. Identifiers: Orphanet 65743, MedGen C1867440, MONDO:0008338, OMIM 178110.
Distal arthrogryposis type 2B1 (DA2B1). Also called: Arthrogryposis multiplex congenita distal type II with craniofacial abnormalities. Identifiers: Orphanet 1147, MedGen C5193014, MONDO:0020820, OMIM 601680.
Freeman-Sheldon syndrome (DA2A). Also called: CRANIOCARPOTARSAL DYSPLASIA; CRANIOCARPOTARSAL DYSTROPHY; Arthrogryposis, distal, type 2A (Freeman-Sheldon); WHISTLING FACE-WINDMILL VANE HAND SYNDROME. Identifiers: Orphanet 2053, MedGen C0265224, MONDO:0008675, OMIM 193700.

Allele frequency attached by ClinVar (database versions not stated): 1000 Genomes Project 30x 0.46330; 1000 Genomes Project 0.46625; TOPMed 0.54712; gnomAD 0.57147 and 0.57294; ESP Exome Variant Server 0.58204; ExAC 0.60852; gnomAD exomes 0.61018 and 0.68703.
gnomAD v4.1: 1,089,273 of 1,613,792 alleles (67%); highest among the groups gnomAD compares: Non-Finnish European, 73%; 379,770 homozygotes.

Submissions (14):

Labcorp Genetics (formerly Invitae), Labcorp
Classification: Benign. Last evaluated: 2026-02-04. Review status: criteria provided, single submitter. Criteria: Invitae Variant Classification Sherloc (09022015). Collection method: clinical testing. Allele origin: germline.

Genome-Nilou Lab
Classification: Benign for Freeman-Sheldon syndrome. Last evaluated: 2021-09-05. Review status: criteria provided, single submitter. Criteria: ACMG Guidelines, 2015. Collection method: clinical testing. Allele origin: germline. Affected: no.

Genome-Nilou Lab
Classification: Benign for Arthrogryposis, distal, type 2B3. Last evaluated: 2021-09-05. Review status: criteria provided, single submitter. Criteria: ACMG Guidelines, 2015. Collection method: clinical testing. Allele origin: germline. Affected: no.

Genome-Nilou Lab
Classification: Benign for Contractures, pterygia, and spondylocarpotarsal fusion syndrome 1A. Last evaluated: 2021-09-05. Review status: criteria provided, single submitter. Criteria: ACMG Guidelines, 2015. Collection method: clinical testing. Allele origin: germline. Affected: no.

Genome-Nilou Lab
Classification: Benign for Contractures, pterygia, and variable skeletal fusions syndrome 1B. Last evaluated: 2021-09-05. Review status: criteria provided, single submitter. Criteria: ACMG Guidelines, 2015. Collection method: clinical testing. Allele origin: germline. Affected: no.

GeneDx
Classification: Benign. Last evaluated: 2018-11-08. Review status: criteria provided, single submitter. Criteria: GeneDx Variant Classification Process June 2021. Collection method: clinical testing. Allele origin: germline. Affected: yes.

Illumina Laboratory Services, Illumina
Classification: Benign for Distal arthrogryposis type 2B1. Last evaluated: 2018-01-12. Review status: criteria provided, single submitter. Criteria: ICSL Variant Classification Criteria 13 December 2019. Collection method: clinical testing. Allele origin: germline.
Comment: This variant was observed in the ICSL laboratory as part of a predisposition screen in an ostensibly healthy population. It had not been previously curated by ICSL or reported in the Human Gene Mutation Database (HGMD: prior to June 1st, 2018), and was therefore a candidate for classification through an automated scoring system. Utilizing variant allele frequency, disease prevalence and penetrance estimates, and inheritance mode, an automated score was calculated to assess if this variant is too frequent to cause the disease. Based on the score and internal cut-off values, a variant classified as benign is not then subjected to further curation. The score for this variant resulted in a classification of benign for this disease.

Illumina Laboratory Services, Illumina
Classification: Benign for Freeman-Sheldon syndrome. Last evaluated: 2018-01-12. Review status: criteria provided, single submitter. Criteria: ICSL Variant Classification Criteria 13 December 2019. Collection method: clinical testing. Allele origin: germline.
Comment: the same text as in the submission from Illumina Laboratory Services, Illumina above.

Genetic Services Laboratory, University of Chicago
Classification: Benign for AllHighlyPenetrant. Last evaluated: 2013-08-15. Review status: criteria provided, single submitter. Criteria: ACMG Guidelines, 2007. Collection method: clinical testing. Allele origin: germline. Inheritance: Autosomal dominant inheritance.

Breakthrough Genomics
Classification: Benign. Review status: criteria provided, single submitter. Criteria: ACMG Guidelines, 2015. Collection method: not provided. Allele origin: germline. Inheritance: Autosomal recessive inheritance. Affected: yes.

PreventionGenetics, part of Exact Sciences
Classification: Benign. Review status: criteria provided, single submitter. Criteria: ACMG Guidelines, 2015. Collection method: clinical testing. Allele origin: germline.

Clinical Genetics, Academic Medical Center
Classification: Benign. Review status: no assertion criteria provided. Collection method: clinical testing. Allele origin: germline. Affected: yes. Study: VKGL Data-share Consensus. Not counted in ClinVar's aggregate classification.

Diagnostic Laboratory, Department of Genetics, University Medical Center Groningen
Classification: Benign. Review status: no assertion criteria provided. Collection method: clinical testing. Allele origin: germline. Affected: yes. Study: VKGL Data-share Consensus. Not counted in ClinVar's aggregate classification.

Joint Genome Diagnostic Labs from Nijmegen and Maastricht, Radboudumc and MUMC+
Classification: Benign. Review status: no assertion criteria provided. Collection method: clinical testing. Allele origin: germline. Affected: yes. Study: VKGL Data-share Consensus. Not counted in ClinVar's aggregate classification.